The following is an entry in ClinVar:

ClinVar aggregate classification (germline): Uncertain significance (1 of 4 stars; one submission).

Conditions:
Smith-Lemli-Opitz syndrome (SLOS). Also called: LETHAL ACRODYSGENITAL SYNDROME; POLYDACTYLY, SEX REVERSAL, RENAL HYPOPLASIA, AND UNILOBAR LUNG; RSH SYNDROME; RUTLEDGE LETHAL MULTIPLE CONGENITAL ANOMALY SYNDROME; 7-Dehydrocholesterol reductase deficiency. Identifiers: Orphanet 818, MedGen C0175694, MONDO:0010035, OMIM 270400.

gnomAD v4.1: 2 of 1,610,866 alleles (0.00012%); highest among the groups gnomAD compares: East Asian, 0.0022%; no homozygotes.

Submission:

Juno Genomics, Hangzhou Juno Genomics, Inc
Classification: Uncertain significance for Smith-Lemli-Opitz syndrome. Review status: criteria provided, single submitter. Criteria: ACMG Guidelines, 2015. Collection method: clinical testing. Allele origin: germline.
Comment: Absent from controls (or at extremely low frequency if recessive) in Genome Aggregation Database.;Multiple lines of computational evidence support a deleterious effect on the gene or gene product.

NM_001360.3(DHCR7):c.1043A>G (p.Tyr348Cys)

Gene: DHCR7 (7-dehydrocholesterol reductase; minus strand). Cytogenetic location: 11q13.4.
Variant type: single nucleotide variant.
Coding change: c.1043A>G on transcript NM_001360.3 (MANE Select); coding-DNA position 1043, A replaced by G.
Protein change: p.Tyr348Cys; replaces tyrosine 348 with cysteine.
Molecular consequence: missense variant. On other transcripts: intron variant (3), 3 prime UTR variant (1).
Genome position (GRCh38, 1-based): chr11:71,435,760, T>C on the plus strand (A>G on the coding strand, the complement: DHCR7 is on the minus strand). VCF-style: chr11-71435760-T-C. GRCh37 (hg19) VCF-style: chr11-71146806-T-C.
Other names: c.964-570A>G (NM_001425118.1); c.1177A>G, p.Thr393Ala (NM_001425112.1); c.983A>G, p.Tyr328Cys (NM_001425113.1); c.947A>G, p.Tyr316Cys (NM_001425114.1); c.1081A>G, p.Thr361Ala (NM_001425116.1); c.869A>G, p.Tyr290Cys (NM_001425117.1); c.*165A>G (NM_001425119.1); c.963+2052A>G (NM_001425120.1); and 4 more; short protein forms T361A, T393A, Y290C, Y316C, Y328C, Y348C, Y360C, Y365C.
Identifiers: ClinVar variation 5019387 (VCV005019387.2).